The following is an entry in ClinVar:

ClinVar aggregate classification (germline): Likely benign. Review status: criteria provided, multiple submitters, no conflicts (2 of 4 stars). 3 submissions from 3 submitters: Likely benign (3). Last evaluated 2025-07-25.

Allele frequency attached by ClinVar (database versions not stated): ExAC 0.00001; TOPMed 0.00002; gnomAD exomes 0.00001 and 0.00002; gnomAD 0.00003.
gnomAD v4.1: 32 of 1,613,702 alleles (0.002%); highest among the groups gnomAD compares: Non-Finnish European, 0.0025%; no homozygotes.

Submissions (3):

Labcorp Genetics (formerly Invitae), Labcorp
Classification: Likely benign. Last evaluated: 2025-07-25. Review status: criteria provided, single submitter. Criteria: Invitae Variant Classification Sherloc (09022015). Collection method: clinical testing. Allele origin: germline.

CeGaT Center for Human Genetics Tuebingen
Classification: Likely benign. Last evaluated: 2022-11-01. Review status: criteria provided, single submitter. Criteria: CeGaT Center For Human Genetics Tuebingen Variant Classification Criteria Version 2. Collection method: clinical testing. Allele origin: germline. Affected: yes. Observed: 1 variant allele.
Comment: GFM1: BP4, BP7

Blueprint Genetics
Classification: Likely benign. Last evaluated: 2022-01-11. Review status: criteria provided, single submitter. Criteria: ACMG Guidelines, 2015. Collection method: clinical testing. Allele origin: germline.

NM_024996.7(GFM1):c.1704A>G (p.Glu568=)

Gene: GFM1 (G elongation factor mitochondrial 1; plus strand). Cytogenetic location: 3q25.32.
Variant type: single nucleotide variant.
Coding change: c.1704A>G on transcript NM_024996.7 (MANE Select); coding-DNA position 1704, A replaced by G.
Protein change: p.Glu568=; no amino-acid change (glutamic acid 568 retained).
Molecular consequence: synonymous variant. On other transcripts: non-coding transcript variant (4).
Genome position (GRCh38, 1-based): chr3:158,682,097, A>G. VCF-style: chr3-158682097-A-G. GRCh37 (hg19) VCF-style: chr3-158399886-A-G.
Other names: c.1761A>G, p.Glu587= (NM_001308164.2); c.1704A>G, p.Glu568= (NM_001308166.2); c.1623A>G, p.Glu541= (NM_001374355.1); c.1587A>G, p.Glu529= (NM_001374356.1); c.1479A>G, p.Glu493= (NM_001374357.1); c.1245A>G, p.Glu415= (NM_001374358.1); c.1137A>G, p.Glu379= (NM_001374359.1, NM_001374360.1); c.1020A>G, p.Glu340= (NM_001374361.1).
Identifiers: ClinVar variation 752960 (VCV000752960.35), dbSNP rs756847811, ClinGen allele CA2682963.